The following is an entry in ClinVar:

ClinVar aggregate classification (germline): Benign (0 of 4 stars; one submission).

Conditions:
TBC1D1-related disorder. Also called: TBC1D1-related condition.

Allele frequency attached by ClinVar (database versions not stated): TOPMed 0.07194; ESP Exome Variant Server 0.07389; gnomAD 0.07836; 1000 Genomes Project 30x 0.08214; 1000 Genomes Project 0.08427; gnomAD exomes 0.09355.
gnomAD v4.1: 148,765 of 1,612,780 alleles (9.2%); highest among the groups gnomAD compares: South Asian, 12%; 7,332 homozygotes.

Submission:

PreventionGenetics, part of Exact Sciences
Classification: Benign for TBC1D1-related condition. Last evaluated: 2019-09-17. Review status: no assertion criteria provided. Collection method: clinical testing. Allele origin: germline.
Comment: This variant is classified as benign based on ACMG/AMP sequence variant interpretation guidelines (Richards et al. 2015 PMID: 25741868, with internal and published modifications).

NM_001396959.1(TBC1D1):c.373C>T (p.Arg125Trp)

Gene: TBC1D1 (TBC1 domain family member 1; plus strand). Cytogenetic location: 4p14.
Variant type: single nucleotide variant.
Coding change: c.373C>T on transcript NM_001396959.1 (MANE Select); coding-DNA position 373, C replaced by T.
Protein change: p.Arg125Trp; replaces arginine 125 with tryptophan.
Molecular consequence: missense variant.
Genome position (GRCh38, 1-based): chr4:37,902,468, C>T. VCF-style: chr4-37902468-C-T. GRCh37 (hg19) VCF-style: chr4-37904089-C-T.
Other names: c.373C>T, p.Arg125Trp (NM_001253912.2, NM_015173.4); short protein forms R125W.
Identifiers: ClinVar variation 3058918 (VCV003058918.2), dbSNP rs35859249, ClinGen allele CA2887245.